The following is an entry in ClinVar:

NM_020928.2(ZSWIM6):c.2T>C (p.Met1Thr)

Gene: ZSWIM6 (zinc finger SWIM-type containing 6; plus strand). Cytogenetic location: 5q12.1.
Variant type: single nucleotide variant.
Coding change: c.2T>C on transcript NM_020928.2 (MANE Select); coding-DNA position 2, T replaced by C.
Protein change: p.Met1Thr; changes the start codon (methionine 1).
Molecular consequence: missense variant, initiator codon variant.
Genome position (GRCh38, 1-based): chr5:61,332,274, T>C. VCF-style: chr5-61332274-T-C. GRCh37 (hg19) VCF-style: chr5-60628101-T-C.
Other names: short protein forms M1T.
Identifiers: ClinVar variation 3371743 (VCV003371743.2).
Genomic context (GRCh38, chr5:61,332,274, plus strand): 5'-TCCTAGTGCCGTTTATAGGGTCCCGGCACTTCCGCTGTCGGGTTAGAAGCGGCGCGGTCA[T>C]GGCGGAGCGCGGACAGCAGCCTCCTCCCGCGAAACGGCTTTGCTGCCGGCCGGGCGGCGG-3'
Protein context (NP_065979.1, residues 1-11): [Met1Thr]AERGQQPPPA

ClinVar aggregate classification (germline): Uncertain significance. Review status: criteria provided, multiple submitters, no conflicts (2 of 4 stars). 2 submissions from 2 submitters: Uncertain significance (2). Last evaluated 2024-03-28.

Conditions:
Neurodevelopmental disorder with movement abnormalities, abnormal gait, and autistic features. Identifiers: MedGen C4693405, MONDO:0060642, OMIM 617865.

Submissions (2):

GeneDx
Classification: Uncertain significance. Last evaluated: 2024-03-28. Review status: criteria provided, single submitter. Criteria: GeneDx Variant Classification Process June 2021. Collection method: clinical testing. Allele origin: germline. Affected: yes.
Comment: Not observed at significant frequency in large population cohorts (gnomAD); Initiation codon variant in a gene for which loss of function is not a known mechanism of disease; Has not been previously published as pathogenic or benign to our knowledge

University of Washington Department of Laboratory Medicine, University of Washington
Classification: Uncertain significance for Neurodevelopmental disorder with movement abnormalities, abnormal gait, and autistic features. Last evaluated: 2022-05-02. Review status: criteria provided, single submitter. Criteria: ACMG Guidelines, 2015. Collection method: clinical testing. Allele origin: unknown. Affected: yes.
Comment: The p.Met1? variant in the ZSWIM6 gene has not been previously reported in association with disease and was absent from large population databases, including the Genome Aggregation Database. The p.Met1? variant disrupts the translation initiation codon and may result in an abnormal or absent protein. These predictions have not been tested directly. Using ACMG guidelines, this variant was classified as a variant of uncertain significance (ACMG evidence codes used: PVS1_supporting, PM2_supporting).